The following is an entry in ClinVar:

NM_144585.4(SLC22A12):c.637G>C (p.Val213Leu)

Gene: SLC22A12 (solute carrier family 22 member 12; plus strand). Cytogenetic location: 11q13.1.
Variant type: single nucleotide variant.
Coding change: c.637G>C on transcript NM_144585.4 (MANE Select); coding-DNA position 637, G replaced by C.
Protein change: p.Val213Leu; replaces valine 213 with leucine.
Molecular consequence: missense variant. On other transcripts: intron variant (3).
Genome position (GRCh38, 1-based): chr11:64,593,535, G>C. VCF-style: chr11-64593535-G-C. GRCh37 (hg19) VCF-style: chr11-64361007-G-C.
Other names: c.559+78G>C (NM_001276326.2); c.506+653G>C (NM_001276327.2); c.-2-100G>C (NM_153378.3); short protein forms V213L.
Identifiers: ClinVar variation 2228911 (VCV002228911.2), dbSNP rs1014455077, ClinGen allele CA381121057.

ClinVar aggregate classification (germline): Uncertain significance (1 of 4 stars; one submission).

Conditions:
Inborn genetic diseases. Identifiers: MedGen C0950123, MeSH D030342.

Submission:

Ambry Genetics
Classification: Uncertain significance for Inborn genetic diseases. Last evaluated: 2021-01-15. Review status: criteria provided, single submitter. Criteria: Ambry Variant Classification Scheme 2023. Collection method: clinical testing. Allele origin: germline.
Comment: The c.637G>C (p.V213L) alteration is located in exon 3 (coding exon 3) of the SLC22A12 gene. This alteration results from a G to C substitution at nucleotide position 637, causing the valine (V) at amino acid position 213 to be replaced by a leucine (L). The p.V213L alteration is predicted to be tolerated by in silico analysis. Based on insufficient or conflicting evidence, the clinical significance of this alteration remains unclear.